The following is an entry in ClinVar:

ClinVar aggregate classification (germline): Conflicting classifications of pathogenicity. Review status: criteria provided, conflicting classifications (1 of 4 stars). 9 submissions from 8 submitters: Uncertain significance (1); Benign (1); Likely benign (7). Last evaluated 2026-01-19.

Conditions:
Hereditary cancer-predisposing syndrome. Also called: Tumor predisposition; Hereditary Cancer Syndrome; Hereditary neoplastic syndrome; Neoplastic Syndromes, Hereditary. Identifiers: Orphanet 140162, MedGen C0027672, MeSH D009386, MONDO:0015356.
Isolated focal cortical dysplasia type II (FCORD2). Also called: Focal cortical dysplasia type II; CORTICAL DYSPLASIA OF TAYLOR. Identifiers: Orphanet 268994, MedGen C1846385, MONDO:0011818, OMIM 607341, HP:0032051.
Tuberous sclerosis 1 (TSC1). Identifiers: Orphanet 805, MedGen C1854465, MONDO:0008612, OMIM 191100.
Tuberous sclerosis syndrome (TSC). Also called: Tuberous Sclerosis Complex; Tuberous sclerosis. Identifiers: Orphanet 805, MedGen C0041341, MONDO:0001734.

Allele frequency attached by ClinVar (database versions not stated): ExAC 0.00002; gnomAD 0.00003; gnomAD exomes 0.00003 and 0.00006; TOPMed 0.00003.
gnomAD v4.1: 50 of 1,614,052 alleles (0.0031%); highest among the groups gnomAD compares: Non-Finnish European, 0.00034%; no homozygotes.

Submissions (9):

Labcorp Genetics (formerly Invitae), Labcorp
Classification: Benign for Tuberous sclerosis 1. Last evaluated: 2026-01-19. Review status: criteria provided, single submitter. Criteria: Invitae Variant Classification Sherloc (09022015). Collection method: clinical testing. Allele origin: germline.

All of Us Research Program, National Institutes of Health
Classification: Likely benign for Tuberous sclerosis syndrome. Last evaluated: 2024-08-29. Review status: criteria provided, single submitter. Criteria: ACMG Guidelines, 2015. Collection method: clinical testing. Allele origin: germline. Inheritance: Autosomal dominant inheritance. Observed: 18 variant alleles, 18 heterozygotes.
Comment: This study involves interpretation of variants in research participants for the purpose of population health screening. Participant phenotype was not available at the time of variant classification. Additional details can be found in publication PMID: 35346344, PMCID: PMC8962531

Color Diagnostics, LLC DBA Color Health
Classification: Likely benign for Tuberous sclerosis syndrome. Last evaluated: 2022-12-06. Review status: criteria provided, single submitter. Criteria: ACMG Guidelines, 2015. Collection method: clinical testing. Allele origin: germline.

Genome-Nilou Lab
Classification: Likely benign for Tuberous sclerosis 1. Last evaluated: 2021-11-07. Review status: criteria provided, single submitter. Criteria: ACMG Guidelines, 2015. Collection method: clinical testing. Allele origin: germline. Affected: no.

Sema4
Classification: Likely benign for Hereditary cancer-predisposing syndrome. Last evaluated: 2021-02-17. Review status: criteria provided, single submitter. Criteria: Sema4 Curation Guidelines. Collection method: curation. Allele origin: germline.

GeneDx
Classification: Likely benign. Last evaluated: 2019-12-26. Review status: criteria provided, single submitter. Criteria: GeneDx Variant Classification Process June 2021. Collection method: clinical testing. Allele origin: germline. Affected: yes.

Ambry Genetics
Classification: Likely benign for Hereditary cancer-predisposing syndrome. Last evaluated: 2018-06-05. Review status: criteria provided, single submitter. Criteria: Ambry Variant Classification Scheme 2023. Collection method: clinical testing. Allele origin: germline.

Illumina Laboratory Services, Illumina
Classification: Uncertain significance for Tuberous sclerosis 1. Last evaluated: 2018-01-13. Review status: criteria provided, single submitter. Criteria: ICSL Variant Classification Criteria 13 December 2019. Collection method: clinical testing. Allele origin: germline.

Illumina Laboratory Services, Illumina
Classification: Likely benign for Isolated focal cortical dysplasia type II. Last evaluated: 2018-01-13. Review status: criteria provided, single submitter. Criteria: ICSL Variant Classification Criteria 13 December 2019. Collection method: clinical testing. Allele origin: germline.
Comment: This variant was observed in the ICSL laboratory as part of a predisposition screen in an ostensibly healthy population. It had not been previously curated by ICSL or reported in the Human Gene Mutation Database (HGMD: prior to June 1st, 2018), and was therefore a candidate for classification through an automated scoring system. Utilizing variant allele frequency, disease prevalence and penetrance estimates, and inheritance mode, an automated score was calculated to assess if this variant is too frequent to cause the disease. Based on the score and internal cut-off values, a variant classified as likely benign is not then subjected to further curation. The score for this variant resulted in a classification of likely benign for this disease.

NM_000368.5(TSC1):c.2968G>A (p.Glu990Lys)

Gene: TSC1 (TSC complex subunit 1; minus strand). Cytogenetic location: 9q34.13.
Variant type: single nucleotide variant.
Coding change: c.2968G>A on transcript NM_000368.5 (MANE Select); coding-DNA position 2968, G replaced by A.
Protein change: p.Glu990Lys; replaces glutamic acid 990 with lysine.
Molecular consequence: missense variant.
Genome position (GRCh38, 1-based): chr9:132,897,191, C>T on the plus strand (G>A on the coding strand, the complement: TSC1 is on the minus strand). VCF-style: chr9-132897191-C-T. GRCh37 (hg19) VCF-style: chr9-135772578-C-T.
Other names: c.2965G>A, p.Glu989Lys (NM_001162426.2); c.2815G>A, p.Glu939Lys (NM_001162427.2); c.2605G>A, p.Glu869Lys (NM_001362177.2); short protein forms E990K, E869K, E939K, E989K.
Identifiers: ClinVar variation 237714 (VCV000237714.27), dbSNP rs200398750, ClinGen allele CA035148.
Genomic context (GRCh38, chr9:132,897,191, plus strand): 5'-TGCTGGAATTGGCAGCTTAGTCCCAAGGTCATGAATCAGTTCTTTGTTCCTACCTTTCTT[C>T]TGCTGCTTCAGCTGCTTCTGCTTTTTCTTCTTCAAGTTTTTTCAGGAGGCCATCTTTCTC-3'
Protein context (NP_000359.1, residues 980-1000): EEKAEAAEAA[Glu990Lys]ERLDCCNDGC